The following is an entry in ClinVar:

NM_000137.4(FAH):c.382_383insTTTTTTTTTTTTTTTTTTTTNNNNNNNNNNACCTCCTGACCTCGTGAACCGCCCGCCTCGCCGTCCGAACGAGCTGGGATTACAGGCGTGAGCCACCGCGCCCGGCCGACTACACAGACTTCT (p.Tyr128delinsPhePhePhePhePhePhePheXaaXaaXaaXaaLeuLeuThrSerTer)

Gene: FAH (fumarylacetoacetate hydrolase; plus strand). Cytogenetic location: 15q25.1.
Variant type: Insertion.
Coding change: c.382_383insTTTTTTTTTTTTTTTTTTTTNNNNNNNNNNACCTCCTGACCTCGTGAACCGCCCGCCTCGCCGTCCGAACGAGCTGGGATTACAGGCGTGAGCCACCGCGCCCGGCCGACTACACAGACTTCT on transcript NM_000137.4 (MANE Select); coding-DNA positions 382 to 383, TTTTTTTTTTTTTTTTTTTTNNNNNNNNNNACCTCCTGACCTCGTGAACCGCCCGCCTCGCCGTCCGAACGAGCTGGGATTACAGGCGTGAGCCACCGCGCCCGGCCGACTACACAGACTTCT inserted.
Protein change: p.Tyr128delinsPhePhePhePhePhePhePheXaaXaaXaaXaaLeuLeuThrSerTer.
Molecular consequence: nonsense.
Genome position: GRCh38: chr15:80,162,263-80,162,264. GRCh37 (hg19): chr15:80,454,605-80,454,606.
Other names: c.382_383insTTTTTTTTTTTTTTTTTTTTNNNNNNNNNNACCTCCTGACCTCGTGAACCGCCCGCCTCGCCGTCCGAACGAGCTGGGATTACAGGCGTGAGCCACCGCGCCCGGCCGACTACACAGACTTCT, p.Tyr128delinsPhePhePhePhePhePhePheXaaXaaXaaXaaLeuLeuThrSerTer (NM_001374377.1, NM_001374380.1).
Identifiers: ClinVar variation 2842691 (VCV002842691.3), dbSNP rs2505844477.

ClinVar aggregate classification (germline): Pathogenic (1 of 4 stars; one submission).

Conditions:
Tyrosinemia type I (TYRSN1). Also called: Tyrosinemia type 1; Fumarylacetoacetase deficiency; Deficiency of fumarylacetoacetase; HEPATORENAL TYROSINEMIA; FAH DEFICIENCY. Identifiers: Orphanet 882, MedGen C0268490, MONDO:0010161, OMIM 276700. Disease mechanism: loss of function.

Submission:

Labcorp Genetics (formerly Invitae), Labcorp
Classification: Pathogenic for Tyrosinemia type I. Last evaluated: 2023-03-03. Review status: criteria provided, single submitter. Criteria: Invitae Variant Classification Sherloc (09022015). Collection method: clinical testing. Allele origin: germline.
Comment: Retrotransposon insertions including LINE1 (L1), Alu, and SVA (SINE-VNTR-Alu) have been reported to be disease-causing through disruption of either a coding region or splice site (PMID: 19763152, 20307669, 22406018) and loss-of-function variants in FAH are known to be pathogenic (PMID: 9101289, 9633815). This variant has not been reported in the literature in individuals affected with FAH-related conditions. For these reasons, this variant has been classified as Pathogenic. Algorithms developed to predict the effect of sequence changes on RNA splicing suggest that this variant may disrupt the consensus splice site. This variant is not present in population databases (gnomAD no frequency). This sequence change inserts a large fragment of DNA, likely a transposable element, in exon 5 of the FAH gene (c.382_383ins?), causing a frameshift at codon 128 (p.Tyr128fs). The exact size and sequence of the insertion cannot be determined by the current assay. However, the insertion is expected to result in an absent or disrupted protein product.

Literature cited by the submitters: PubMed 19763152; PubMed 20307669; PubMed 22406018; PubMed 9101289; PubMed 9633815.